The following is an entry in ClinVar:

NM_000823.4(GHRHR):c.975-6C>A

Gene: GHRHR (growth hormone releasing hormone receptor; plus strand). Cytogenetic location: 7p14.3.
Variant type: single nucleotide variant.
Coding change: c.975-6C>A on transcript NM_000823.4 (MANE Select); 6 bases into the intron before coding-DNA position 975, C replaced by A.
Molecular consequence: intron variant.
Genome position (GRCh38, 1-based): chr7:30,976,423, C>A. VCF-style: chr7-30976423-C-A. GRCh37 (hg19) VCF-style: chr7-31016038-C-A.
Identifiers: ClinVar variation 729746 (VCV000729746.16), dbSNP rs117572522, ClinGen allele CA4208752.
Genomic context (GRCh38, chr7:30,976,423, plus strand): 5'-GAGATGAAGTGCACACGACAGTTTCTAATCCCAGTCTTGGGAGCCTAGGATTTGTCTTTC[C>A]TGCAGGCGTCTCTCCAAGTCGACACTTTTCCTGATCCCACTCTTTGGAATTCACTACATC-3'

ClinVar aggregate classification (germline): Conflicting classifications of pathogenicity. Review status: criteria provided, conflicting classifications (1 of 4 stars). 5 submissions from 5 submitters: Uncertain significance (2); Likely benign (2). 1 of the submissions does not count toward it. Last evaluated 2026-05-13.

Conditions:
Isolated growth hormone deficiency type IB (IGHD1B). Also called: IGHD IB; IGHD 1B. Identifiers: Orphanet 231671, Orphanet 631, MedGen C2748571, MONDO:0013006, OMIM 612781.
GHRHR-related disorder. Also called: GHRHR-related condition.

Allele frequency attached by ClinVar (database versions not stated): gnomAD exomes 0.00086 and 0.00170; ExAC 0.00090; 1000 Genomes Project 0.00060; ESP Exome Variant Server 0.00108; 1000 Genomes Project 30x 0.00047; TOPMed 0.00080; gnomAD 0.00088.
gnomAD v4.1: 2,569 of 1,612,976 alleles (0.16%); highest among the groups gnomAD compares: Non-Finnish European, 0.21%; 3 homozygotes.

Submissions (5):

Women's Health and Genetics/Laboratory Corporation of America, LabCorp
Classification: Likely benign. Last evaluated: 2026-05-13. Review status: criteria provided, single submitter. Criteria: LabCorp Variant Classification Summary - May 2015. Collection method: clinical testing. Allele origin: germline.

Labcorp Genetics (formerly Invitae), Labcorp
Classification: Likely benign. Last evaluated: 2025-12-08. Review status: criteria provided, single submitter. Criteria: Invitae Variant Classification Sherloc (09022015). Collection method: clinical testing. Allele origin: germline.

Baylor Genetics
Classification: Uncertain significance for Isolated growth hormone deficiency type IB. Last evaluated: 2018-05-14. Review status: criteria provided, single submitter. Criteria: ACMG Guidelines, 2015. Collection method: clinical testing. Allele origin: maternal. Affected: yes.
Comment: This variant was determined to be of uncertain significance according to ACMG Guidelines, 2015 [PMID:25741868].

Illumina Laboratory Services, Illumina
Classification: Uncertain significance for Isolated growth hormone deficiency type IB. Last evaluated: 2018-01-12. Review status: criteria provided, single submitter. Criteria: ICSL Variant Classification Criteria 13 December 2019. Collection method: clinical testing. Allele origin: germline.

PreventionGenetics, part of Exact Sciences
Classification: Likely benign for GHRHR-related condition. Last evaluated: 2020-11-25. Review status: no assertion criteria provided. Collection method: clinical testing. Allele origin: germline. Not counted in ClinVar's aggregate classification.
Comment: This variant is classified as likely benign based on ACMG/AMP sequence variant interpretation guidelines (Richards et al. 2015 PMID: 25741868, with internal and published modifications).